The following is an entry in ClinVar:

ClinVar aggregate classification (germline): Uncertain significance (0 of 4 stars; one submission).

Conditions:
TBR1-related disorder. Also called: TBR1-related condition.

Submission:

PreventionGenetics, part of Exact Sciences
Classification: Uncertain significance for TBR1-related condition. Last evaluated: 2024-06-14. Review status: no assertion criteria provided. Collection method: clinical testing. Allele origin: germline.
Comment: The TBR1 c.1533_1553dup21 variant is predicted to result in an in-frame duplication (p.Thr512_Ala518dup). To our knowledge, this variant has not been reported in the literature or in a large population database, indicating this variant is rare. Although we suspect that this variant may be pathogenic, at this time, the clinical significance of this variant is uncertain due to the absence of conclusive functional and genetic evidence.

NM_006593.4(TBR1):c.1533_1553dup (p.Ala518_Ala519insThrLeuLeuSerTyrAlaAla)

Genes: TBR1 (T-box brain transcription factor 1; plus strand), LOC129935026 (ATAC-STARR-seq lymphoblastoid silent region 12060; plus strand). Cytogenetic location: 2q24.2.
Variant type: Duplication.
Coding change: c.1533_1553dup on transcript NM_006593.4 (MANE Select); coding-DNA positions 1533 to 1553, 21 bases duplicated (CACGCTGCTCTCTTACGCGGC).
Protein change: p.Ala518_Ala519insThrLeuLeuSerTyrAlaAla.
Molecular consequence: inframe insertion.
Genome position (GRCh38, 1-based): chr2:161,423,711-161,423,731, CACGCTGCTCTCTTACGCGGC duplicated; duplicating any 21 consecutive bases within chr2:161,423,704-161,423,731 gives the same sequence; the c. name uses the placement nearest the transcript's 3' end. VCF-style (leftmost placement, unchanged base first): chr2-161423703-A-AACGCGGCCACGCTGCTCTCTT. GRCh37 (hg19) VCF-style: chr2-162280214-A-AACGCGGCCACGCTGCTCTCTT.
Identifiers: ClinVar variation 3347460 (VCV003347460.1).